The following is an entry in ClinVar:

ClinVar aggregate classification (germline): Uncertain significance (1 of 4 stars; one submission).

Conditions:
Cardiovascular phenotype. Identifiers: MedGen CN230736.

Submission:

Ambry Genetics
Classification: Uncertain significance for Cardiovascular phenotype. Last evaluated: 2026-03-21. Review status: criteria provided, single submitter. Criteria: Ambry Variant Classification Scheme 2023. Collection method: clinical testing. Allele origin: germline.
Comment: The p.E1891A variant (also known as c.5672A>C), located in coding exon 15 of the TNXB gene, results from an A to C substitution at nucleotide position 5672. The glutamic acid at codon 1891 is replaced by alanine, an amino acid with dissimilar properties. This amino acid position is conserved. In addition, this alteration is predicted to be tolerated by in silico analysis. Based on the available evidence, the clinical significance of this variant remains unclear.

NM_001365276.2(TNXB):c.5672A>C (p.Glu1891Ala)

Gene: TNXB (tenascin XB; minus strand). Cytogenetic location: 6p21.33.
Variant type: single nucleotide variant.
Coding change: c.5672A>C on transcript NM_001365276.2 (MANE Select); coding-DNA position 5672, A replaced by C.
Protein change: p.Glu1891Ala; replaces glutamic acid 1891 with alanine.
Molecular consequence: missense variant.
Genome position (GRCh38, 1-based): chr6:32,069,052, T>G on the plus strand (A>C on the coding strand, the complement: TNXB is on the minus strand). VCF-style: chr6-32069052-T-G. GRCh37 (hg19) VCF-style: chr6-32036829-T-G.
Other names: c.6413A>C, p.Glu2138Ala (NM_001428335.1); c.5672A>C, p.Glu1891Ala (NM_019105.8); short protein forms E1891A, E2138A.
Identifiers: ClinVar variation 4865805 (VCV004865805.1).